The following is an entry in ClinVar:

NM_001372574.1(ATXN2):c.3322A>G (p.Met1108Val)

Gene: ATXN2 (ataxin 2; minus strand). Cytogenetic location: 12q24.12.
Variant type: single nucleotide variant.
Coding change: c.3322A>G on transcript NM_001372574.1 (MANE Select); coding-DNA position 3322, A replaced by G.
Protein change: p.Met1108Val; replaces methionine 1108 with valine.
Molecular consequence: missense variant. On other transcripts: non-coding transcript variant (1).
Genome position (GRCh38, 1-based): chr12:111,453,794, T>C on the plus strand (A>G on the coding strand, the complement: ATXN2 is on the minus strand). VCF-style: chr12-111453794-T-C. GRCh37 (hg19) VCF-style: chr12-111891598-T-C.
Other names: c.3076A>G, p.Met1026Val (NM_001310121.1); c.2875A>G, p.Met959Val (NM_001310123.1); c.3316A>G, p.Met1106Val (NM_002973.4); short protein forms M1108V, M1026V, M959V, M1106V.
Identifiers: ClinVar variation 930944 (VCV000930944.3), dbSNP rs775411387, ClinGen allele CA6790156.

ClinVar aggregate classification (germline): Benign (1 of 4 stars; one submission).

Conditions:
Spinocerebellar ataxia type 2 (SCA2). Also called: CEREBELLAR DEGENERATION WITH SLOW EYE MOVEMENTS; OLIVOPONTOCEREBELLAR ATROPHY II; SPINOCEREBELLAR ATROPHY II. Identifiers: Orphanet 98756, MedGen C0752121, MONDO:0008458, OMIM 183090.

Allele frequency attached by ClinVar (database versions not stated): TOPMed 0.00001; gnomAD exomes 0.00003 and 0.00007; gnomAD 0.00005; ExAC 0.00011.

Submission:

Centre for Mendelian Genomics, University Medical Centre Ljubljana
Classification: Benign for Spinocerebellar ataxia type 2. Last evaluated: 2018-11-02. Review status: criteria provided, single submitter. Criteria: ACMG Guidelines, 2015. Collection method: clinical testing. Allele origin: unknown. Affected: yes.
Comment: This variant was classified as: Benign. The following ACMG criteria were applied in classifying this variant: BS1,BS2.